The following is an entry in ClinVar:

NM_000297.4(PKD2):c.2563A>G (p.Ser855Gly)

Gene: PKD2 (polycystin 2, transient receptor potential cation channel; plus strand). Cytogenetic location: 4q22.1.
Variant type: single nucleotide variant.
Coding change: c.2563A>G on transcript NM_000297.4 (MANE Select); coding-DNA position 2563, A replaced by G.
Protein change: p.Ser855Gly; replaces serine 855 with glycine.
Molecular consequence: missense variant. On other transcripts: non-coding transcript variant (1).
Genome position (GRCh38, 1-based): chr4:88,074,852, A>G. VCF-style: chr4-88074852-A-G. GRCh37 (hg19) VCF-style: chr4-88996004-A-G.
Other names: short protein forms S855G.
Identifiers: ClinVar variation 2049120 (VCV002049120.6), dbSNP rs373306069, ClinGen allele CA3004292.
Genomic context (GRCh38, chr4:88,074,852, plus strand): 5'-GTACTGTGTTTTCCTTGCAGCCTGGTGAGACGAGTGGACCGGATGGAGCATTCCATCGGC[A>G]GCATAGTGTCCAAGATTGACGCCGTGATCGTGAAGCTAGAGATTATGGAGCGAGCCAAAC-3'
Protein context (NP_000288.1, residues 845-865): RVDRMEHSIG[Ser855Gly]IVSKIDAVIV

ClinVar aggregate classification (germline): Conflicting classifications of pathogenicity. Review status: criteria provided, conflicting classifications (1 of 4 stars). 3 submissions from 3 submitters: Uncertain significance (2); Likely benign (1). Last evaluated 2025-10-25.

Conditions:
Autosomal dominant polycystic kidney disease. Identifiers: Orphanet 730, MedGen C0085413, MONDO:0004691.
Polycystic kidney disease 2 (PKD2). Also called: Polycystic Kidney Disease 2, Autosomal Dominant; POLYCYSTIC KIDNEY DISEASE, ADULT, TYPE II; POLYCYSTIC KIDNEY DISEASE 2 WITH OR WITHOUT POLYCYSTIC LIVER DISEASE. Identifiers: MedGen C2751306, MONDO:0013131, OMIM 613095.

Allele frequency attached by ClinVar (database versions not stated): gnomAD 0.00002; gnomAD exomes 0.00004; TOPMed 0.00004; ESP Exome Variant Server 0.00008; ExAC 0.00015.
gnomAD v4.1: 59 of 1,614,010 alleles (0.0037%); highest among the groups gnomAD compares: Non-Finnish European, 0.0048%; no homozygotes.

Submissions (3):

Labcorp Genetics (formerly Invitae), Labcorp
Classification: Uncertain significance for Autosomal dominant polycystic kidney disease. Last evaluated: 2025-10-25. Review status: criteria provided, single submitter. Criteria: Invitae Variant Classification Sherloc (09022015). Collection method: clinical testing. Allele origin: germline.
Comment: This sequence change replaces serine, which is neutral and polar, with glycine, which is neutral and non-polar, at codon 855 of the PKD2 protein (p.Ser855Gly). This variant is present in population databases (rs373306069, gnomAD 0.02%), and has an allele count higher than expected for a pathogenic variant. This variant has not been reported in the literature in individuals affected with PKD2-related conditions. ClinVar contains an entry for this variant (Variation ID: 2049120). Invitae Evidence Modeling of protein sequence and biophysical properties (such as structural, functional, and spatial information, amino acid conservation, physicochemical variation, residue mobility, and thermodynamic stability) indicates that this missense variant is not expected to disrupt PKD2 protein function with a negative predictive value of 80%. In summary, the available evidence is currently insufficient to determine the role of this variant in disease. Therefore, it has been classified as a Variant of Uncertain Significance.

Fulgent Genetics
Classification: Uncertain significance for Polycystic kidney disease 2. Last evaluated: 2024-05-31. Review status: criteria provided, single submitter. Criteria: ACMG Guidelines, 2015. Collection method: clinical testing. Allele origin: germline.

Blueprint Genetics
Classification: Likely benign. Last evaluated: 2023-10-18. Review status: criteria provided, single submitter. Criteria: ACMG Guidelines, 2015. Collection method: clinical testing. Allele origin: germline.